The following is an entry in ClinVar:

NM_080473.5(GATA5):c.704C>T (p.Ser235Leu)

Gene: GATA5 (GATA binding protein 5; minus strand). Cytogenetic location: 20q13.33.
Variant type: single nucleotide variant.
Coding change: c.704C>T on transcript NM_080473.5 (MANE Select); coding-DNA position 704, C replaced by T.
Protein change: p.Ser235Leu; replaces serine 235 with leucine.
Molecular consequence: missense variant.
Genome position (GRCh38, 1-based): chr20:62,466,547, G>A on the plus strand (C>T on the coding strand, the complement: GATA5 is on the minus strand). VCF-style: chr20-62466547-G-A. GRCh37 (hg19) VCF-style: chr20-61041603-G-A.
Other names: short protein forms S235L.
Identifiers: ClinVar variation 1320744 (VCV001320744.10), dbSNP rs112698446, ClinGen allele CA317286282.

ClinVar aggregate classification (germline): Uncertain significance. Review status: criteria provided, multiple submitters, no conflicts (2 of 4 stars). 4 submissions from 4 submitters: Uncertain significance (4). Last evaluated 2025-11-05.

Conditions:
GATA5-related disorder. Also called: GATA5-related condition.

Allele frequency attached by ClinVar (database versions not stated): gnomAD 0.00003 and 0.00004; TOPMed 0.00003; gnomAD exomes 0.00004.
gnomAD v4.1: 68 of 1,550,310 alleles (0.0044%); highest among the groups gnomAD compares: Non-Finnish European, 0.0053%; no homozygotes.

Submissions (4):

Labcorp Genetics (formerly Invitae), Labcorp
Classification: Uncertain significance. Last evaluated: 2025-11-05. Review status: criteria provided, single submitter. Criteria: Invitae Variant Classification Sherloc (09022015). Collection method: clinical testing. Allele origin: germline.
Comment: This sequence change replaces serine, which is neutral and polar, with leucine, which is neutral and non-polar, at codon 235 of the GATA5 protein (p.Ser235Leu). This variant is present in population databases (rs112698446, gnomAD 0.008%). This variant has not been reported in the literature in individuals affected with GATA5-related conditions. ClinVar contains an entry for this variant (Variation ID: 1320744). Invitae Evidence Modeling of protein sequence and biophysical properties (such as structural, functional, and spatial information, amino acid conservation, physicochemical variation, residue mobility, and thermodynamic stability) indicates that this missense variant is expected to disrupt GATA5 protein function with a positive predictive value of 80%. In summary, the available evidence is currently insufficient to determine the role of this variant in disease. Therefore, it has been classified as a Variant of Uncertain Significance.

PreventionGenetics, part of Exact Sciences
Classification: Uncertain significance for GATA5-related condition. Last evaluated: 2025-01-06. Review status: criteria provided, single submitter. Criteria: ACMG Guidelines, 2015. Collection method: clinical testing. Allele origin: germline.
Comment: The GATA5 c.704C>T variant is predicted to result in the amino acid substitution p.Ser235Leu. To our knowledge, this variant has not been reported in the literature. This variant is reported in 0.0080% of alleles in individuals of European (Non-Finnish) descent in gnomAD. At this time, the clinical significance of this variant is uncertain due to the absence of conclusive functional and genetic evidence.

Ambry Genetics
Classification: Uncertain significance. Last evaluated: 2024-12-12. Review status: criteria provided, single submitter. Criteria: Ambry Variant Classification Scheme 2023. Collection method: clinical testing. Allele origin: germline.

GeneDx
Classification: Uncertain significance. Last evaluated: 2023-03-07. Review status: criteria provided, single submitter. Criteria: GeneDx Variant Classification Process June 2021. Collection method: clinical testing. Allele origin: germline. Affected: yes.
Comment: Has not been previously published as pathogenic or benign to our knowledge; In silico analysis supports that this missense variant has a deleterious effect on protein structure/function